The following is an entry in ClinVar:

NM_001242896.3(DEPDC5):c.2094dup (p.Ser699fs)

Gene: DEPDC5 (DEP domain containing 5, GATOR1 subcomplex subunit; plus strand). Cytogenetic location: 22q12.3.
Variant type: Duplication.
Coding change: c.2094dup on transcript NM_001242896.3 (MANE Select); coding-DNA position 2094, one base duplicated (C; older notation c.2094dupC).
Protein change: p.Ser699fs; shifts the reading frame from serine 699.
Molecular consequence: frameshift variant. On other transcripts: non-coding transcript variant (4), intron variant (3).
Genome position (GRCh38, 1-based): chr22:31,822,780, C duplicated. VCF-style (leftmost placement, unchanged base first): chr22-31822779-A-AC. GRCh37 (hg19) VCF-style: chr22-32218765-A-AC.
Other names: c.2094dup, p.Ser699fs (NM_001136029.4, NM_001363852.2, NM_001364318.2 and 3 more transcripts); c.2010dup, p.Ser671fs (NM_001369901.1, NM_001369902.1); c.1870+3555dup (NM_001363854.2, NM_001242897.2, NM_001364319.2); short protein forms S671fs, S699fs.
Identifiers: ClinVar variation 1072903 (VCV001072903.7), dbSNP rs2148830445, ClinGen allele CA2499226156.

ClinVar aggregate classification (germline): Pathogenic (1 of 4 stars; one submission).

Conditions:
Familial focal epilepsy with variable foci (FPEVF). Identifiers: Orphanet 98820, MedGen C1858477, MONDO:0020310.

Submission:

Labcorp Genetics (formerly Invitae), Labcorp
Classification: Pathogenic for Familial focal epilepsy with variable foci. Last evaluated: 2020-03-23. Review status: criteria provided, single submitter. Criteria: Invitae Variant Classification Sherloc (09022015). Collection method: clinical testing. Allele origin: germline.
Comment: Loss-of-function variants in DEPDC5 are known to be pathogenic (PMID: 23542697, 23542701). This variant has not been reported in the literature in individuals with DEPDC5-related conditions. For these reasons, this variant has been classified as Pathogenic. This variant is not present in population databases (ExAC no frequency). This sequence change creates a premature translational stop signal (p.Ser699Glnfs*8) in the DEPDC5 gene. It is expected to result in an absent or disrupted protein product.

Literature cited by the submitters: PubMed 23542697; PubMed 23542701.